The following is an entry in ClinVar:

NM_001130009.3(GEN1):c.1055A>T (p.Asp352Val)

Gene: GEN1 (GEN1 structure-specific endonuclease; plus strand). Cytogenetic location: 2p24.2.
Variant type: single nucleotide variant.
Coding change: c.1055A>T on transcript NM_001130009.3 (MANE Select); coding-DNA position 1055, A replaced by T.
Protein change: p.Asp352Val; replaces aspartic acid 352 with valine.
Molecular consequence: missense variant.
Genome position (GRCh38, 1-based): chr2:17,773,283, A>T. VCF-style: chr2-17773283-A-T. GRCh37 (hg19) VCF-style: chr2-17954550-A-T.
Other names: c.1055A>T, p.Asp352Val (NM_182625.5); short protein forms D352V.
Identifiers: ClinVar variation 5022306 (VCV005022306.1).

ClinVar aggregate classification (germline): Uncertain significance (1 of 4 stars; one submission).

Submission:

Ambry Genetics
Classification: Uncertain significance. Last evaluated: 2026-07-20. Review status: criteria provided, single submitter. Criteria: Ambry Variant Classification Scheme 2023. Collection method: clinical testing. Allele origin: germline.
Comment: The p.D352V variant (also known as c.1055A>T), located in coding exon 9 of the GEN1 gene, results from an A to T substitution at nucleotide position 1055. The aspartic acid at codon 352 is replaced by valine, an amino acid with highly dissimilar properties. This amino acid position is conserved. In addition, the in silico prediction for this alteration is inconclusive. Based on the available evidence, the clinical significance of this variant remains unclear.